The following is an entry in ClinVar:

ClinVar aggregate classification (germline): Benign/Likely benign. Review status: criteria provided, multiple submitters, no conflicts (2 of 4 stars). 4 submissions from 4 submitters: Benign (1); Likely benign (3). Last evaluated 2025-10-06.

Conditions:
Hereditary cancer-predisposing syndrome. Also called: Neoplastic Syndromes, Hereditary; Tumor predisposition; Hereditary neoplastic syndrome; Hereditary Cancer Syndrome. Identifiers: Orphanet 140162, MedGen C0027672, MeSH D009386, MONDO:0015356.
Familial adenomatous polyposis 1 (FAP1). Also called: POLYPOSIS, ADENOMATOUS INTESTINAL; FAMILIAL ADENOMATOUS POLYPOSIS 1, ATTENUATED. Identifiers: MedGen C2713442, MONDO:0021056, OMIM 175100. Disease mechanism: loss of function.

Allele frequency attached by ClinVar (database versions not stated): TOPMed below 0.00001; gnomAD 0.00001.
gnomAD v4.1: 1 of 1,613,618 alleles (0.000062%); highest among the groups gnomAD compares: African/African-American, 0.0013%; no homozygotes.

Submissions (4):

Labcorp Genetics (formerly Invitae), Labcorp
Classification: Likely benign for Familial adenomatous polyposis 1. Last evaluated: 2025-10-06. Review status: criteria provided, single submitter. Criteria: Invitae Variant Classification Sherloc (09022015). Collection method: clinical testing. Allele origin: germline.

Myriad Genetics, Inc.
Classification: Benign for Familial adenomatous polyposis 1. Last evaluated: 2024-04-02. Review status: criteria provided, single submitter. Criteria: Myriad Autosomal Dominant, Autosomal Recessive and X-Linked Classification Criteria (2023). Collection method: clinical testing. Allele origin: unknown.
Comment: This variant is considered benign. This variant is a silent/synonymous amino acid change and it is not expected to impact splicing.

Women's Health and Genetics/Laboratory Corporation of America, LabCorp
Classification: Likely benign. Last evaluated: 2020-09-28. Review status: criteria provided, single submitter. Criteria: LabCorp Variant Classification Summary - May 2015. Collection method: clinical testing. Allele origin: germline.

Ambry Genetics
Classification: Likely benign for Hereditary cancer-predisposing syndrome. Last evaluated: 2019-08-13. Review status: criteria provided, single submitter. Criteria: Ambry Variant Classification Scheme 2023. Collection method: clinical testing. Allele origin: germline.

NM_000038.6(APC):c.5559T>C (p.Pro1853=)

Gene: APC (APC regulator of Wnt signaling pathway; plus strand). Cytogenetic location: 5q22.2.
Variant type: single nucleotide variant.
Coding change: c.5559T>C on transcript NM_000038.6 (MANE Select); coding-DNA position 5559, T replaced by C.
Protein change: p.Pro1853=; no amino-acid change (proline 1853 retained).
Molecular consequence: synonymous variant.
Genome position (GRCh38, 1-based): chr5:112,841,153, T>C. VCF-style: chr5-112841153-T-C. GRCh37 (hg19) VCF-style: chr5-112176850-T-C.
Other names: c.5559T>C, p.Pro1853= (NM_001127510.3, NM_001354895.2); c.5505T>C, p.Pro1835= (NM_001127511.3); c.5613T>C, p.Pro1871= (NM_001354896.2); c.5589T>C, p.Pro1863= (NM_001354897.2); c.5484T>C, p.Pro1828= (NM_001354898.2); c.5475T>C, p.Pro1825= (NM_001354899.2); c.5436T>C, p.Pro1812= (NM_001354900.2); c.5382T>C, p.Pro1794= (NM_001354901.2); and 5 more.
Identifiers: ClinVar variation 825827 (VCV000825827.7), dbSNP rs1407859071, ClinGen allele CA446208936.